The following is an entry in ClinVar:

ClinVar aggregate classification (germline): Uncertain significance (1 of 4 stars; one submission).

Conditions:
Leukodystrophy, hypomyelinating, 8, with or without oligodontia and/or hypogonadotropic hypogonadism. Also called: Endosteal sclerosis-cerebellar hypoplasia syndrome; LEUKODYSTROPHY, HYPOMYELINATING, 8, WITH HYPODONTIA AND HYPOGONADOTROPIC HYPOGONADISM; Hypomyelinating leukodystrophy 8 with or without oligodontia and-or hypogonadotropic hypogonadism. Identifiers: Orphanet 85186, Orphanet 88637, MedGen C3280644, MONDO:0013722, OMIM 614381.

Submission:

Neuberg Centre For Genomic Medicine, NCGM
Classification: Uncertain significance for Leukodystrophy, hypomyelinating, 8, with or without oligodontia and/or hypogonadotropic hypogonadism. Review status: criteria provided, single submitter. Criteria: ACMG Guidelines, 2015. Collection method: clinical testing. Allele origin: germline. Affected: yes.
Comment: The missense variant p.R563K in POLR3B (NM_018082.6) has not been reported previously as a pathogenic variant nor as a benign variant, to our knowledge. The p.R563K variant is novel (not in any individuals) in gnomAD Exomes and is novel (not in any individuals) in 1000 Genomes. There is a small physicochemical difference between arginine and lysine, which is not likely to impact secondary protein structure as these residues share similar properties. The p.R563K missense variant is predicted to be damaging by both SIFT and PolyPhen2. The arginine residue at codon 563 of POLR3B is conserved in all mammalian species. The nucleotide c.1688 in POLR3B is predicted conserved by GERP++ and PhyloP across 100 vertebrates. For these reasons, this variant has been classified as Uncertain Significance

NM_018082.6(POLR3B):c.1688G>A (p.Arg563Lys)

Gene: POLR3B (RNA polymerase III subunit B; plus strand). Cytogenetic location: 12q23.3.
Variant type: single nucleotide variant.
Coding change: c.1688G>A on transcript NM_018082.6 (MANE Select); coding-DNA position 1688, G replaced by A.
Protein change: p.Arg563Lys; replaces arginine 563 with lysine.
Molecular consequence: missense variant.
Genome position (GRCh38, 1-based): chr12:106,433,779, G>A. VCF-style: chr12-106433779-G-A. GRCh37 (hg19) VCF-style: chr12-106827557-G-A.
Other names: c.1514G>A, p.Arg505Lys (NM_001160708.2); short protein forms R505K, R563K.
Identifiers: ClinVar variation 1339144 (VCV001339144.2), dbSNP rs2137005245, ClinGen allele CA386390153.
Genomic context (GRCh38, chr12:106,433,779, plus strand): 5'-GTAACATCTTAGGTGTCATTCGAGACCACAAAAAGCTAGTGAATACATTTCGACTCATGA[G>A]AAGAGCAGGATATATCAATGAATTTGTTTCCATCTCAACAAATCTTACAGATCGATGTGT-3'
Protein context (NP_060552.4, residues 553-573): KKLVNTFRLM[Arg563Lys]RAGYINEFVS